The following is an entry in ClinVar:

ClinVar aggregate classification (germline): Benign (1 of 4 stars; one submission).

Conditions:
OSMR-related disorder. Also called: OSMR-related condition.

gnomAD v4.1: 9,714 of 1,614,130 alleles (0.6%); highest among the groups gnomAD compares: African/African-American, 5%; 199 homozygotes.

Submission:

PreventionGenetics, part of Exact Sciences
Classification: Benign for OSMR-related condition. Last evaluated: 2025-10-14. Review status: criteria provided, single submitter. Criteria: ACMG Guidelines, 2015. Collection method: clinical testing. Allele origin: germline.
Comment: This variant is classified as benign based on ACMG/AMP sequence variant interpretation guidelines (Richards et al. 2015 PMID: 25741868, with internal and published modifications).

NM_003999.3(OSMR):c.2806C>T (p.Pro936Ser)

Gene: OSMR (oncostatin M receptor; plus strand). Cytogenetic location: 5p13.1.
Variant type: single nucleotide variant.
Coding change: c.2806C>T on transcript NM_003999.3 (MANE Select); coding-DNA position 2806, C replaced by T.
Protein change: p.Pro936Ser; replaces proline 936 with serine.
Molecular consequence: missense variant.
Genome position (GRCh38, 1-based): chr5:38,933,310, C>T. VCF-style: chr5-38933310-C-T. GRCh37 (hg19) VCF-style: chr5-38933412-C-T.
Other names: c.2806C>T, p.Pro936Ser (NM_001323505.2); c.2809C>T, p.Pro937Ser (NM_001323506.2); short protein forms P937S, P936S.
Identifiers: ClinVar variation 4980219 (VCV004980219.1).